The following is an entry in ClinVar:

NM_005422.4(TECTA):c.113C>T (p.Thr38Ile)

Genes: TBCEL-TECTA (TBCEL-TECTA readthrough; plus strand), TECTA (tectorin alpha; plus strand). Cytogenetic location: 11q23.3.
Variant type: single nucleotide variant.
Coding change: c.113C>T on transcript NM_005422.4 (MANE Select); coding-DNA position 113, C replaced by T.
Protein change: p.Thr38Ile; replaces threonine 38 with isoleucine.
Molecular consequence: missense variant.
Genome position (GRCh38, 1-based): chr11:121,105,879, C>T. VCF-style: chr11-121105879-C-T. GRCh37 (hg19) VCF-style: chr11-120976588-C-T.
Other names: c.1070C>T, p.Thr357Ile (NM_001378761.1); short protein forms T357I, T38I.
Identifiers: ClinVar variation 2501579 (VCV002501579.1), dbSNP rs750770599, ClinGen allele CA6326423.

ClinVar aggregate classification (germline): Uncertain significance (1 of 4 stars; one submission).

Submission:

GeneDx
Classification: Uncertain significance. Last evaluated: 2023-05-04. Review status: criteria provided, single submitter. Criteria: GeneDx Variant Classification Process June 2021. Collection method: clinical testing. Allele origin: germline. Affected: yes.
Comment: Not observed at significant frequency in large population cohorts (gnomAD); In silico analysis supports that this missense variant does not alter protein structure/function; Has not been previously published as pathogenic or benign to our knowledge